The following is an entry in ClinVar:

ClinVar aggregate classification (germline): Conflicting classifications of pathogenicity. Review status: criteria provided, conflicting classifications (1 of 4 stars). 2 submissions from 2 submitters: Uncertain significance (1); Likely benign (1). Last evaluated 2025-08-29.

Allele frequency attached by ClinVar (database versions not stated): TOPMed 0.00012; ESP Exome Variant Server 0.00015; gnomAD 0.00015; 1000 Genomes Project 30x 0.00016; gnomAD exomes 0.00016; ExAC 0.00019; 1000 Genomes Project 0.00020.
gnomAD v4.1: 250 of 1,610,548 alleles (0.016%); highest among the groups gnomAD compares: Middle Eastern, 0.13%; no homozygotes.

Submissions (2):

Ambry Genetics
Classification: Uncertain significance. Last evaluated: 2025-08-29. Review status: criteria provided, single submitter. Criteria: Ambry Variant Classification Scheme 2023. Collection method: clinical testing. Allele origin: germline.

CeGaT Center for Human Genetics Tuebingen
Classification: Likely benign. Last evaluated: 2022-10-01. Review status: criteria provided, single submitter. Criteria: CeGaT Center For Human Genetics Tuebingen Variant Classification Criteria Version 2. Collection method: clinical testing. Allele origin: germline. Affected: yes. Observed: 1 variant allele.
Comment: EP400: BP4

NM_015409.5(EP400):c.8249C>T (p.Thr2750Met)

Gene: EP400 (E1A binding protein p400; plus strand). Cytogenetic location: 12q24.33.
Variant type: single nucleotide variant.
Coding change: c.8249C>T on transcript NM_015409.5 (MANE Select); coding-DNA position 8249, C replaced by T.
Protein change: p.Thr2750Met; replaces threonine 2750 with methionine.
Molecular consequence: missense variant.
Genome position (GRCh38, 1-based): chr12:132,062,616, C>T. VCF-style: chr12-132062616-C-T. GRCh37 (hg19) VCF-style: chr12-132547161-C-T.
Other names: short protein forms T2750M.
Identifiers: ClinVar variation 2456306 (VCV002456306.27), dbSNP rs143981004, ClinGen allele CA6887108.